The following is an entry in ClinVar:

ClinVar aggregate classification (germline): Uncertain significance (1 of 4 stars; one submission).

Allele frequency attached by ClinVar (database versions not stated): gnomAD 0.00002; TOPMed 0.00002.
gnomAD v4.1: 5 of 1,610,916 alleles (0.00031%); highest among the groups gnomAD compares: African/African-American, 0.0053%; no homozygotes.

Submission:

Labcorp Genetics (formerly Invitae), Labcorp
Classification: Uncertain significance. Last evaluated: 2021-12-07. Review status: criteria provided, single submitter. Criteria: Invitae Variant Classification Sherloc (09022015). Collection method: clinical testing. Allele origin: germline.
Comment: This sequence change replaces proline, which is neutral and non-polar, with threonine, which is neutral and polar, at codon 143 of the NDUFAF2 protein (p.Pro143Thr). This variant is not present in population databases (gnomAD no frequency). This variant has not been reported in the literature in individuals affected with NDUFAF2-related conditions. Algorithms developed to predict the effect of missense changes on protein structure and function are either unavailable or do not agree on the potential impact of this missense change (SIFT: "Tolerated"; PolyPhen-2: "Possibly Damaging"; Align-GVGD: "Class C0"). In summary, the available evidence is currently insufficient to determine the role of this variant in disease. Therefore, it has been classified as a Variant of Uncertain Significance.

NM_174889.5(NDUFAF2):c.427C>A (p.Pro143Thr)

Gene: NDUFAF2 (NADH:ubiquinone oxidoreductase complex assembly factor 2; plus strand). Cytogenetic location: 5q12.1.
Variant type: single nucleotide variant.
Coding change: c.427C>A on transcript NM_174889.5 (MANE Select); coding-DNA position 427, C replaced by A.
Protein change: p.Pro143Thr; replaces proline 143 with threonine.
Molecular consequence: missense variant.
Genome position (GRCh38, 1-based): chr5:61,152,872, C>A. VCF-style: chr5-61152872-C-A. GRCh37 (hg19) VCF-style: chr5-60448699-C-A.
Other names: short protein forms P143T.
Identifiers: ClinVar variation 1936237 (VCV001936237.2), dbSNP rs967126073, ClinGen allele CA119582132.
Genomic context (GRCh38, chr5:61,152,872, plus strand): 5'-CCACCAGTTCAAACTCAAATTAAAGGCCATGCCTCTGCTCCATACTTTGGAAAGGAAGAA[C>A]CCTCAGTGGCTCCCAGCAGCACTGGTAAAACCTTTCAGCCAGGATCCTGGATGCCACGAG-3'
Protein context (NP_777549.1, residues 133-153): ASAPYFGKEE[Pro143Thr]SVAPSSTGKT